The following is an entry in ClinVar:

NM_144997.7(FLCN):c.639T>G (p.Phe213Leu)

Gene: FLCN (folliculin; minus strand). Cytogenetic location: 17p11.2.
Variant type: single nucleotide variant.
Coding change: c.639T>G on transcript NM_144997.7 (MANE Select); coding-DNA position 639, T replaced by G.
Protein change: p.Phe213Leu; replaces phenylalanine 213 with leucine.
Molecular consequence: missense variant.
Genome position (GRCh38, 1-based): chr17:17,222,641, A>C on the plus strand (T>G on the coding strand, the complement: FLCN is on the minus strand). VCF-style: chr17-17222641-A-C. GRCh37 (hg19) VCF-style: chr17-17125955-A-C.
Other names: c.693T>G, p.Phe231Leu (NM_001353229.2); c.639T>G, p.Phe213Leu (NM_001353230.2, NM_001353231.2, NM_144606.7); short protein forms F213L, F231L.
Identifiers: ClinVar variation 3229256 (VCV003229256.2), dbSNP rs867115278, ClinGen allele CA288315657.

ClinVar aggregate classification (germline): Uncertain significance. Review status: criteria provided, multiple submitters, no conflicts (2 of 4 stars). 2 submissions from 2 submitters: Uncertain significance (2). Last evaluated 2025-12-29.

Conditions:
Hereditary cancer-predisposing syndrome. Also called: Neoplastic Syndromes, Hereditary; Tumor predisposition; Hereditary neoplastic syndrome; Hereditary Cancer Syndrome. Identifiers: Orphanet 140162, MedGen C0027672, MeSH D009386, MONDO:0015356.

Submissions (2):

Center for Genomic Medicine, Rigshospitalet, Copenhagen University Hospital
Classification: Uncertain significance. Last evaluated: 2025-12-29. Review status: criteria provided, single submitter. Criteria: ACMG Guidelines, 2015. Collection method: clinical testing. Allele origin: germline.

Ambry Genetics
Classification: Uncertain significance for Hereditary cancer-predisposing syndrome. Last evaluated: 2023-11-01. Review status: criteria provided, single submitter. Criteria: Ambry Variant Classification Scheme 2023. Collection method: clinical testing. Allele origin: germline.
Comment: The p.F213L variant (also known as c.639T>G), located in coding exon 4 of the FLCN gene, results from a T to G substitution at nucleotide position 639. The phenylalanine at codon 213 is replaced by leucine, an amino acid with highly similar properties. This amino acid position is not well conserved in available vertebrate species. In addition, this alteration is predicted to be tolerated by in silico analysis. Since supporting evidence is limited at this time, the clinical significance of this alteration remains unclear.